The following is an entry in ClinVar:

NM_005989.4(AKR1D1):c.*1082G>C

Gene: AKR1D1 (aldo-keto reductase family 1 member D1; plus strand). Cytogenetic location: 7q33.
Variant type: single nucleotide variant.
Coding change: c.*1082G>C on transcript NM_005989.4 (MANE Select); 1082 bases downstream of the stop codon, G replaced by C.
Molecular consequence: 3 prime UTR variant.
Genome position (GRCh38, 1-based): chr7:138,117,744, G>C. VCF-style: chr7-138117744-G-C. GRCh37 (hg19) VCF-style: chr7-137802490-G-C.
Other names: c.*1082G>C (NM_001190906.2); c.*1107G>C (NM_001190907.2).
Identifiers: ClinVar variation 358970 (VCV000358970.5), dbSNP rs58526603, ClinGen allele CA10628217.

ClinVar aggregate classification (germline): Benign (1 of 4 stars; one submission).

Conditions:
Congenital bile acid synthesis defect 2 (CBAS2). Also called: CHOLESTASIS WITH DELTA(4)-3-OXOSTEROID 5-BETA-REDUCTASE DEFICIENCY. Identifiers: Orphanet 79303, MedGen C1856127, MONDO:0009339, OMIM 235555.

Allele frequency attached by ClinVar (database versions not stated): gnomAD 0.02467 and 0.02658; 1000 Genomes Project 0.02516; TOPMed 0.02699; 1000 Genomes Project 30x 0.02811.

Submission:

Illumina Laboratory Services, Illumina
Classification: Benign for Congenital bile acid synthesis defect 2. Last evaluated: 2018-01-12. Review status: criteria provided, single submitter. Criteria: ICSL Variant Classification Criteria 13 December 2019. Collection method: clinical testing. Allele origin: germline.
Comment: This variant was observed in the ICSL laboratory as part of a predisposition screen in an ostensibly healthy population. It had not been previously curated by ICSL or reported in the Human Gene Mutation Database (HGMD: prior to June 1st, 2018), and was therefore a candidate for classification through an automated scoring system. Utilizing variant allele frequency, disease prevalence and penetrance estimates, and inheritance mode, an automated score was calculated to assess if this variant is too frequent to cause the disease. Based on the score and internal cut-off values, a variant classified as benign is not then subjected to further curation. The score for this variant resulted in a classification of benign for this disease.